The following is an entry in ClinVar:

NM_000719.7(CACNA1C):c.2615T>C (p.Val872Ala)

Gene: CACNA1C (calcium voltage-gated channel subunit alpha1 C; plus strand). Cytogenetic location: 12p13.33.
Variant type: single nucleotide variant.
Coding change: c.2615T>C on transcript NM_000719.7 (MANE Select); coding-DNA position 2615, T replaced by C.
Protein change: p.Val872Ala; replaces valine 872 with alanine.
Molecular consequence: missense variant.
Genome position (GRCh38, 1-based): chr12:2,593,297, T>C. VCF-style: chr12-2593297-T-C. GRCh37 (hg19) VCF-style: chr12-2702463-T-C.
Other names: c.2615T>C, p.Val872Ala (NM_001129827.2, NM_001129829.2, NM_001129830.3 and 18 more transcripts); c.2606T>C, p.Val869Ala (NM_001129844.2); short protein forms V869A, V872A.
Identifiers: ClinVar variation 1793850 (VCV001793850.5), dbSNP rs1212862331, ClinGen allele CA383372239.

ClinVar aggregate classification (germline): Uncertain significance. Review status: criteria provided, multiple submitters, no conflicts (2 of 4 stars). 3 submissions from 3 submitters: Uncertain significance (2). 1 of the submissions does not count toward it. Last evaluated 2025-11-11.

Conditions:
CACNA1C-related disorder. Also called: CACNA1C-related condition; CACNA1C-related disorders. Identifiers: MedGen CN381092, MONDO:0700321.
Long QT syndrome (LQTS). Identifiers: MedGen C0023976, MeSH D008133, MONDO:0002442. Disease mechanism: loss of function. Inheritance: Various modes of inheritance.
Cardiovascular phenotype. Identifiers: MedGen CN230736.

gnomAD v4.1: 1 of 1,613,706 alleles (0.000062%); highest among the groups gnomAD compares: African/African-American, 0.0013%; no homozygotes.

Submissions (3):

Labcorp Genetics (formerly Invitae), Labcorp
Classification: Uncertain significance for Long QT syndrome. Last evaluated: 2025-11-11. Review status: criteria provided, single submitter. Criteria: Invitae Variant Classification Sherloc (09022015). Collection method: clinical testing. Allele origin: germline.
Comment: This sequence change replaces valine, which is neutral and non-polar, with alanine, which is neutral and non-polar, at codon 872 of the CACNA1C protein (p.Val872Ala). This variant is present in population databases (no rsID available, gnomAD 0.008%). This variant has not been reported in the literature in individuals affected with CACNA1C-related conditions. ClinVar contains an entry for this variant (Variation ID: 1793850). Invitae Evidence Modeling of protein sequence and biophysical properties (such as structural, functional, and spatial information, amino acid conservation, physicochemical variation, residue mobility, and thermodynamic stability) has been performed for this missense variant. However, the output from this modeling did not meet the statistical confidence thresholds required to predict the impact of this variant on CACNA1C protein function. In summary, the available evidence is currently insufficient to determine the role of this variant in disease. Therefore, it has been classified as a Variant of Uncertain Significance.

Ambry Genetics
Classification: Uncertain significance for Cardiovascular phenotype. Last evaluated: 2018-02-08. Review status: criteria provided, single submitter. Criteria: Ambry Variant Classification Scheme 2023. Collection method: clinical testing. Allele origin: germline.
Comment: The p.V872A variant (also known as c.2615T>C), located in coding exon 19 of the CACNA1C gene, results from a T to C substitution at nucleotide position 2615. The valine at codon 872 is replaced by alanine, an amino acid with similar properties. This amino acid position is well conserved in available vertebrate species. In addition, the in silico prediction for this alteration is inconclusive. Since supporting evidence is limited at this time, the clinical significance of this alteration remains unclear.

PreventionGenetics, part of Exact Sciences
Classification: Uncertain significance for CACNA1C-related condition. Last evaluated: 2024-06-14. Review status: no assertion criteria provided. Collection method: clinical testing. Allele origin: germline. Not counted in ClinVar's aggregate classification.
Comment: The CACNA1C c.2615T>C variant is predicted to result in the amino acid substitution p.Val872Ala. To our knowledge, this variant has not been reported in the literature. This variant is reported in 0.0083% of alleles in individuals of African descent in gnomAD. At this time, the clinical significance of this variant is uncertain due to the absence of conclusive functional and genetic evidence.